The following is an entry in ClinVar:

NM_182916.3(TRNT1):c.692C>G (p.Ala231Gly)

Gene: TRNT1 (tRNA nucleotidyl transferase 1; plus strand). Cytogenetic location: 3p26.2.
Variant type: single nucleotide variant.
Coding change: c.692C>G on transcript NM_182916.3 (MANE Select); coding-DNA position 692, C replaced by G.
Protein change: p.Ala231Gly; replaces alanine 231 with glycine.
Molecular consequence: missense variant. On other transcripts: non-coding transcript variant (6).
Genome position (GRCh38, 1-based): chr3:3,146,513, C>G. VCF-style: chr3-3146513-C-G. GRCh37 (hg19) VCF-style: chr3-3188197-C-G.
Other names: c.692C>G, p.Ala231Gly (NM_001367322.1, NM_001367323.1, NM_001302946.2 and 1 more transcripts); short protein forms A231G.
Identifiers: ClinVar variation 1497457 (VCV001497457.6), dbSNP rs1428349978, ClinGen allele CA351447096.

ClinVar aggregate classification (germline): Uncertain significance (1 of 4 stars; one submission).

Conditions:
Congenital sideroblastic anemia-B-cell immunodeficiency-periodic fever-developmental delay syndrome. Also called: Sideroblastic anemia with B-cell immunodeficiency, periodic fevers, and developmental delay. Identifiers: Orphanet 369861, MedGen C4015172, MONDO:0014487, OMIM 616084.

Submission:

Labcorp Genetics (formerly Invitae), Labcorp
Classification: Uncertain significance for Congenital sideroblastic anemia-B-cell immunodeficiency-periodic fever-developmental delay syndrome. Last evaluated: 2021-08-11. Review status: criteria provided, single submitter. Criteria: Invitae Variant Classification Sherloc (09022015). Collection method: clinical testing. Allele origin: germline.
Comment: This sequence change replaces alanine with glycine at codon 231 of the TRNT1 protein (p.Ala231Gly). The alanine residue is highly conserved and there is a small physicochemical difference between alanine and glycine. This variant is not present in population databases (ExAC no frequency). This variant has not been reported in the literature in individuals affected with TRNT1-related conditions. Algorithms developed to predict the effect of missense changes on protein structure and function output the following: SIFT: "Tolerated"; PolyPhen-2: "Benign"; Align-GVGD: "Class C0". The glycine amino acid residue is found in multiple mammalian species, which suggests that this missense change does not adversely affect protein function. In summary, the available evidence is currently insufficient to determine the role of this variant in disease. Therefore, it has been classified as a Variant of Uncertain Significance.